The following is an entry in ClinVar:

ClinVar aggregate classification (germline): Benign (1 of 4 stars; one submission).

Conditions:
Breast-ovarian cancer, familial, susceptibility to, 4. Identifiers: Orphanet 145, MedGen C3280345, MONDO:0013669, OMIM 614291.

gnomAD v4.1: 1 of 1,614,018 alleles (0.000062%); highest among the groups gnomAD compares: Non-Finnish European, 0.000085%; no homozygotes.

Submission:

Myriad Genetics, Inc.
Classification: Benign for Breast-ovarian cancer, familial, susceptibility to, 4. Last evaluated: 2025-02-20. Review status: criteria provided, single submitter. Criteria: Myriad Autosomal Dominant, Autosomal Recessive and X-Linked Classification Criteria (2023). Collection method: clinical testing. Allele origin: unknown.
Comment: This variant is considered benign. This variant is a silent/synonymous amino acid change and it is not expected to impact splicing.

NM_002878.4(RAD51D):c.106C>T (p.Leu36=)

Genes: RAD51L3-RFFL (RAD51L3-RFFL readthrough; minus strand), RAD51D (RAD51 paralog D; minus strand). Cytogenetic location: 17q12.
Variant type: single nucleotide variant.
Coding change: c.106C>T on transcript NM_002878.4 (MANE Select); coding-DNA position 106, C replaced by T.
Protein change: p.Leu36=; no amino-acid change (leucine 36 retained).
Molecular consequence: synonymous variant. On other transcripts: non-coding transcript variant (2).
Genome position (GRCh38, 1-based): chr17:35,119,149, G>A on the plus strand (C>T on the coding strand, the complement: RAD51D is on the minus strand). VCF-style: chr17-35119149-G-A. GRCh37 (hg19) VCF-style: chr17-33446168-G-A.
Other names: c.106C>T, p.Leu36= (NM_001142571.2, NM_133629.3).
Identifiers: ClinVar variation 3903854 (VCV003903854.1).